The following is an entry in ClinVar:

ClinVar aggregate classification (germline): Pathogenic (1 of 4 stars; one submission).

Submission:

Quest Diagnostics Nichols Institute San Juan Capistrano
Classification: Pathogenic. Last evaluated: 2023-08-31. Review status: criteria provided, single submitter. Criteria: ACMG/ClinGen CNV Guidelines, 2019. Collection method: clinical testing. Allele origin: unknown.
Comment: This copy number loss involves several genes that are proposed candidate genes for 3q13.31 deletion syndrome (OMIM 615433; Al-Hassnan 2018, Lowther 2014, Molin 2012, Shimojima 2009). Multiple deletions comparable to the current interval were reported in individuals with various neurodevelopmental phenotypes (Shuvarikov 2013, Quintela 2015). Therefore, based on current medical literature, this copy number variant (CNV) is classified as pathogenic. References: Al-Hassnan et al., Mol Cytogenet. 2018 Jan 25;11:9. PMID: 29416564; Lowther et al., Mol Cytogenet. 2014 Mar 20;7(1):23. PMID: 24650298; Molin et al., J Med Genet. 2012 Feb;49(2):104-9. PMID: 22180640; Shimojima et al., Am J Med Genet A. 2009 Aug;149A(8):1818-22. PMID: 19610083; Shuvarikov et al., Hum Mutat. 2013 Oct;34(10):1415-23. PMID: 23878096; Quintela et al., Am J Med Genet A. 2015 Dec;167A(12):3121-9. PMID: 26332054

GRCh37/hg19 3q13.2-13.31(chr3:112144082-115514432)x1

Genes: ATG3 (autophagy related 3; minus strand), ATP6V1A (ATPase H+ transporting V1 subunit A; plus strand), BOC (BOC cell adhesion associated, oncogene regulated; plus strand), BTLA (B and T lymphocyte associated; minus strand), CCDC191 (coiled-coil domain containing 191; minus strand) and 19 more. Cytogenetic location: 3q13.2-13.31.
Variant type: copy number loss.
Change: copy number 1 (one copy instead of two) of chr3:112,144,082-115,514,432 (3.37 Mb, GRCh37 coordinates, 1-based), cytogenetic band 3q13.2-13.31.
Identifiers: ClinVar variation 3391881 (VCV003391881.1).